The following is an entry in ClinVar:

NM_002470.4(MYH3):c.1908A>C (p.Lys636Asn)

Gene: MYH3 (myosin heavy chain 3; minus strand). Cytogenetic location: 17p13.1.
Variant type: single nucleotide variant.
Coding change: c.1908A>C on transcript NM_002470.4 (MANE Select); coding-DNA position 1908, A replaced by C.
Protein change: p.Lys636Asn; replaces lysine 636 with asparagine.
Molecular consequence: missense variant.
Genome position (GRCh38, 1-based): chr17:10,642,291, T>G on the plus strand (A>C on the coding strand, the complement: MYH3 is on the minus strand). VCF-style: chr17-10642291-T-G. GRCh37 (hg19) VCF-style: chr17-10545608-T-G.
Other names: short protein forms K636N.
Identifiers: ClinVar variation 3715398 (VCV003715398.2).

ClinVar aggregate classification (germline): Uncertain significance (1 of 4 stars; one submission).

gnomAD v4.1: 7 of 1,614,056 alleles (0.00043%); highest among the groups gnomAD compares: African/African-American, 0.0013%; no homozygotes.

Submission:

Labcorp Genetics (formerly Invitae), Labcorp
Classification: Uncertain significance. Last evaluated: 2024-05-07. Review status: criteria provided, single submitter. Criteria: Invitae Variant Classification Sherloc (09022015). Collection method: clinical testing. Allele origin: germline.
Comment: This sequence change replaces lysine, which is basic and polar, with asparagine, which is neutral and polar, at codon 636 of the MYH3 protein (p.Lys636Asn). This variant is present in population databases (no rsID available, gnomAD 0.002%). This variant has not been reported in the literature in individuals affected with MYH3-related conditions. Advanced modeling of protein sequence and biophysical properties (such as structural, functional, and spatial information, amino acid conservation, physicochemical variation, residue mobility, and thermodynamic stability) performed at Invitae indicates that this missense variant is not expected to disrupt MYH3 protein function with a negative predictive value of 95%. In summary, the available evidence is currently insufficient to determine the role of this variant in disease. Therefore, it has been classified as a Variant of Uncertain Significance.